The following is an entry in ClinVar:

ClinVar aggregate classification (germline): Likely benign (0 of 4 stars; one submission).

Conditions:
TERF1-related disorder. Also called: TERF1-related condition.

Allele frequency attached by ClinVar (database versions not stated): 1000 Genomes Project 30x 0.00016; 1000 Genomes Project 0.00020; gnomAD 0.00027; ESP Exome Variant Server 0.00031; TOPMed 0.00044; ExAC 0.00064.
gnomAD v4.1: 591 of 1,612,442 alleles (0.037%); highest among the groups gnomAD compares: Middle Eastern, 0.35%; no homozygotes.

Submission:

PreventionGenetics, part of Exact Sciences
Classification: Likely benign for TERF1-related condition. Last evaluated: 2019-08-14. Review status: no assertion criteria provided. Collection method: clinical testing. Allele origin: germline.
Comment: This variant is classified as likely benign based on ACMG/AMP sequence variant interpretation guidelines (Richards et al. 2015 PMID: 25741868, with internal and published modifications).

NM_017489.3(TERF1):c.42C>T (p.Gly14=)

Gene: TERF1 (telomeric repeat binding factor 1; plus strand). Cytogenetic location: 8q21.11.
Variant type: single nucleotide variant.
Coding change: c.42C>T on transcript NM_017489.3 (MANE Select); coding-DNA position 42, C replaced by T.
Protein change: p.Gly14=; no amino-acid change (glycine 14 retained).
Molecular consequence: synonymous variant. On other transcripts: 5 prime UTR variant (4), non-coding transcript variant (4).
Genome position (GRCh38, 1-based): chr8:73,008,928, C>T. VCF-style: chr8-73008928-C-T. GRCh37 (hg19) VCF-style: chr8-73921163-C-T.
Other names: c.42C>T, p.Gly14= (NM_001410928.1, NM_001413364.1, NM_001413369.1 and 6 more transcripts); c.-347C>T (NM_001413365.1, NM_001413366.1, NM_001413367.1 and 1 more transcripts).
Identifiers: ClinVar variation 3034140 (VCV003034140.2), dbSNP rs150799660, ClinGen allele CA4781864.
Genomic context (GRCh38, chr8:73,008,928, plus strand): 5'-CCCAAGCGAGCCATTTAACATGGCGGAGGATGTTTCCTCAGCGGCCCCGAGCCCGCGGGG[C>T]TGTGCGGATGGTAGGGATGCCGACCCTACTGAGGAGCAGATGGCAGAAACAGAGAGAAAC-3'
Protein context (NP_059523.2, residues 4-24): DVSSAAPSPR[Gly14=]CADGRDADPT